The following is an entry in ClinVar:

NM_001009944.3(PKD1):c.1529G>C (p.Arg510Pro)

Gene: PKD1 (polycystin 1, transient receptor potential channel interacting; minus strand). Cytogenetic location: 16p13.3.
Variant type: single nucleotide variant.
Coding change: c.1529G>C on transcript NM_001009944.3 (MANE Select); coding-DNA position 1529, G replaced by C.
Protein change: p.Arg510Pro; replaces arginine 510 with proline.
Molecular consequence: missense variant.
Genome position (GRCh38, 1-based): chr16:2,116,910, C>G on the plus strand (G>C on the coding strand, the complement: PKD1 is on the minus strand). VCF-style: chr16-2116910-C-G. GRCh37 (hg19) VCF-style: chr16-2166911-C-G.
Other names: c.1529G>C, p.Arg510Pro (NM_000296.4); short protein forms R510P.
Identifiers: ClinVar variation 2636123 (VCV002636123.5), dbSNP rs1293305047, ClinGen allele CA394391829.

ClinVar aggregate classification (germline): Pathogenic/Likely pathogenic. Review status: criteria provided, multiple submitters, no conflicts (2 of 4 stars). 4 submissions from 4 submitters: Pathogenic (1); Likely pathogenic (3). Last evaluated 2026-05-01.

Conditions:
Polycystic kidney disease, adult type (PKD1). Also called: Polycystic Kidney, Autosomal Dominant; Polycystic Kidney Disease 1, Autosomal Dominant; Polycystic kidney disease 1; Polycystic kidney disease 1, severe; POLYCYSTIC KIDNEY DISEASE, ADULT, TYPE I; POLYCYSTIC KIDNEY DISEASE 1 WITH OR WITHOUT POLYCYSTIC LIVER DISEASE. Identifiers: MedGen C3149841, MONDO:0008263, OMIM 173900.
PKD1-related disorder. Also called: PKD1-related condition.

Submissions (4):

PreventionGenetics, part of Exact Sciences
Classification: Likely pathogenic for PKD1-related condition. Last evaluated: 2026-05-01. Review status: criteria provided, single submitter. Criteria: ACMG Guidelines, 2015. Collection method: clinical testing. Allele origin: germline.
Comment: The PKD1 c.1529G>C variant is predicted to result in the amino acid substitution p.Arg510Pro. This variant has been reported in three individuals with autosomal dominant polycystic kidney disease (ADPKD) (Table 1, Hogan et al. 2015. PubMed ID: 25475747; Table S2, Heyer et al. 2016. PubMed ID: 26823553). In addition, this variant has been observed in an individual undergoing ADPKD panel testing and observed de novo in another unrelated individual with renal features at PreventionGenetics (Internal Data). To our knowledge, this variant has not been reported in the literature or in a large population database (gnomaAD), indicating this variant is rare. This variant is interpreted as likely pathogenic.

GeneDx
Classification: Likely pathogenic. Last evaluated: 2024-10-23. Review status: criteria provided, single submitter. Criteria: GeneDx Variant Classification Process June 2021. Collection method: clinical testing. Allele origin: germline. Affected: yes.
Comment: Not observed at significant frequency in large population cohorts (gnomAD); In silico analysis indicates that this missense variant does not alter protein structure/function; This variant is associated with the following publications: (PMID: 26823553, 25475747)

Blueprint Genetics
Classification: Pathogenic for PKD1-related disorders. Last evaluated: 2024-07-03. Review status: criteria provided, single submitter. Criteria: ACMG Guidelines, 2015. Collection method: clinical testing. Allele origin: germline. Affected: yes. Observed: 1 variant allele.

Fulgent Genetics
Classification: Likely pathogenic for Polycystic kidney disease, adult type. Last evaluated: 2024-04-04. Review status: criteria provided, single submitter. Criteria: ACMG Guidelines, 2015. Collection method: clinical testing. Allele origin: germline.